The following is an entry in ClinVar:

ClinVar aggregate classification (germline): Uncertain significance (1 of 4 stars; one submission).

Conditions:
Mowat-Wilson syndrome (MOWS). Also called: Classic Mowat-Wilson Syndrome. Identifiers: Orphanet 2152, MedGen C1856113, MONDO:0009341, OMIM 235730.

Submission:

Labcorp Genetics (formerly Invitae), Labcorp
Classification: Uncertain significance for Mowat-Wilson syndrome. Last evaluated: 2020-05-13. Review status: criteria provided, single submitter. Criteria: Invitae Variant Classification Sherloc (09022015). Collection method: clinical testing. Allele origin: germline.
Comment: In summary, the available evidence is currently insufficient to determine the role of this variant in disease. Therefore, it has been classified as a Variant of Uncertain Significance. Algorithms developed to predict the effect of missense changes on protein structure and function are either unavailable or do not agree on the potential impact of this missense change (SIFT: "Deleterious"; PolyPhen-2: "Benign"; Align-GVGD: "Class C15"). This variant has not been reported in the literature in individuals with ZEB2-related conditions. This variant is not present in population databases (ExAC no frequency). This sequence change replaces proline with arginine at codon 721 of the ZEB2 protein (p.Pro721Arg). The proline residue is moderately conserved and there is a moderate physicochemical difference between proline and arginine.

NM_014795.4(ZEB2):c.2162C>G (p.Pro721Arg)

Gene: ZEB2 (zinc finger E-box binding homeobox 2; minus strand). Cytogenetic location: 2q22.3.
Variant type: single nucleotide variant.
Coding change: c.2162C>G on transcript NM_014795.4 (MANE Select); coding-DNA position 2162, C replaced by G.
Protein change: p.Pro721Arg; replaces proline 721 with arginine.
Molecular consequence: missense variant.
Genome position (GRCh38, 1-based): chr2:144,399,025, G>C on the plus strand (C>G on the coding strand, the complement: ZEB2 is on the minus strand). VCF-style: chr2-144399025-G-C. GRCh37 (hg19) VCF-style: chr2-145156592-G-C.
Other names: c.2090C>G, p.Pro697Arg (NM_001171653.2); short protein forms P721R, P697R.
Identifiers: ClinVar variation 1041272 (VCV001041272.8), dbSNP rs1240429329, ClinGen allele CA348708892.